The following is an entry in ClinVar:

ClinVar aggregate classification (germline): Uncertain significance. Review status: criteria provided, multiple submitters, no conflicts (2 of 4 stars). 2 submissions from 2 submitters: Uncertain significance (2). Last evaluated 2023-07-25.

Conditions:
Ataxia-telangiectasia syndrome (AT). Also called: ATAXIA-TELANGIECTASIA, COMPLEMENTATION GROUP A; ATAXIA-TELANGIECTASIA, FRESNO VARIANT; Ataxia-telangiectasia, complementation group E; Ataxia telangiectasia (A-T); LOUIS-BAR SYNDROME; Cerebello-oculocutaneous telangiectasia. Identifiers: Orphanet 100, MedGen C0004135, MONDO:0008840, OMIM 208900.
Hereditary cancer-predisposing syndrome. Also called: Neoplastic Syndromes, Hereditary; Hereditary Cancer Syndrome; Hereditary neoplastic syndrome; Tumor predisposition. Identifiers: Orphanet 140162, MedGen C0027672, MeSH D009386, MONDO:0015356.

Allele frequency attached by ClinVar (database versions not stated): gnomAD exomes below 0.00001; ExAC 0.00001.
gnomAD v4.1: 2 of 1,613,400 alleles (0.00012%); no homozygotes.

Submissions (2):

Labcorp Genetics (formerly Invitae), Labcorp
Classification: Uncertain significance for Ataxia-telangiectasia syndrome. Last evaluated: 2023-07-25. Review status: criteria provided, single submitter. Criteria: Invitae Variant Classification Sherloc (09022015). Collection method: clinical testing. Allele origin: germline.
Comment: This sequence change replaces glutamic acid, which is acidic and polar, with glutamine, which is neutral and polar, at codon 1207 of the ATM protein (p.Glu1207Gln). In summary, the available evidence is currently insufficient to determine the role of this variant in disease. Therefore, it has been classified as a Variant of Uncertain Significance. An algorithm developed to predict the effect of missense changes on protein structure and function (PolyPhen-2) suggests that this variant is likely to be disruptive. ClinVar contains an entry for this variant (Variation ID: 823997). This variant has not been reported in the literature in individuals affected with ATM-related conditions. This variant is present in population databases (rs772724024, gnomAD 0.01%).

Ambry Genetics
Classification: Uncertain significance for Hereditary cancer-predisposing syndrome. Last evaluated: 2018-03-23. Review status: criteria provided, single submitter. Criteria: Ambry Variant Classification Scheme 2023. Collection method: clinical testing. Allele origin: germline.
Comment: The p.E1207Q variant (also known as c.3619G>C), located in coding exon 24 of the ATM gene, results from a G to C substitution at nucleotide position 3619. The glutamic acid at codon 1207 is replaced by glutamine, an amino acid with highly similar properties. This amino acid position is highly conserved through reptiles but not in all available vertebrate species. In addition, this alteration is predicted to be tolerated by in silico analysis. Since supporting evidence is limited at this time, the clinical significance of this alteration remains unclear.

NM_000051.4(ATM):c.3619G>C (p.Glu1207Gln)

Gene: ATM (ATM serine/threonine kinase; plus strand). Cytogenetic location: 11q22.3.
Variant type: single nucleotide variant.
Coding change: c.3619G>C on transcript NM_000051.4 (MANE Select); coding-DNA position 3619, G replaced by C.
Protein change: p.Glu1207Gln; replaces glutamic acid 1207 with glutamine.
Molecular consequence: missense variant.
Genome position (GRCh38, 1-based): chr11:108,282,752, G>C. VCF-style: chr11-108282752-G-C. GRCh37 (hg19) VCF-style: chr11-108153479-G-C.
Other names: c.3619G>C, p.Glu1207Gln (NM_001351834.2); short protein forms E1207Q.
Identifiers: ClinVar variation 823997 (VCV000823997.10), dbSNP rs772724024, ClinGen allele CA6265326.